The following is an entry in ClinVar:

NM_001270974.2(HYDIN):c.12196G>A (p.Glu4066Lys)

Gene: HYDIN (HYDIN axonemal central pair apparatus protein; minus strand). Cytogenetic location: 16q22.2.
Variant type: single nucleotide variant.
Coding change: c.12196G>A on transcript NM_001270974.2 (MANE Select); coding-DNA position 12196, G replaced by A.
Protein change: p.Glu4066Lys; replaces glutamic acid 4066 with lysine.
Molecular consequence: missense variant.
Genome position (GRCh38, 1-based): chr16:70,857,804, C>T on the plus strand (G>A on the coding strand, the complement: HYDIN is on the minus strand). VCF-style: chr16-70857804-C-T. GRCh37 (hg19) VCF-style: chr16-70891707-C-T.
Other names: short protein forms E4066K.
Identifiers: ClinVar variation 3359407 (VCV003359407.1).

ClinVar aggregate classification (germline): Uncertain significance (1 of 4 stars; one submission).

Submission:

GeneDx
Classification: Uncertain significance. Last evaluated: 2023-06-03. Review status: criteria provided, single submitter. Criteria: GeneDx Variant Classification Process June 2021. Collection method: clinical testing. Allele origin: germline. Affected: yes.
Comment: In silico analysis supports that this missense variant has a deleterious effect on protein structure/function; Has not been previously published as pathogenic or benign to our knowledge